The following is an entry in ClinVar:

NM_021096.4(CACNA1I):c.4726G>A (p.Ala1576Thr)

Gene: CACNA1I (calcium voltage-gated channel subunit alpha1 I; plus strand). Cytogenetic location: 22q13.1.
Variant type: single nucleotide variant.
Coding change: c.4726G>A on transcript NM_021096.4 (MANE Select); coding-DNA position 4726, G replaced by A.
Protein change: p.Ala1576Thr; replaces alanine 1576 with threonine.
Molecular consequence: missense variant.
Genome position (GRCh38, 1-based): chr22:39,673,025, G>A. VCF-style: chr22-39673025-G-A. GRCh37 (hg19) VCF-style: chr22-40069030-G-A.
Other names: c.4621G>A, p.Ala1541Thr (NM_001003406.2); short protein forms A1541T, A1576T.
Identifiers: ClinVar variation 3371936 (VCV003371936.2).

ClinVar aggregate classification (germline): Uncertain significance (1 of 4 stars; one submission).

Submission:

GeneDx
Classification: Uncertain significance. Last evaluated: 2026-09-24. Review status: criteria provided, single submitter. Criteria: GeneDx Variant Classification Process June 2021. Collection method: clinical testing. Allele origin: germline.
Comment: Not observed at significant frequency in large population cohorts (gnomAD); In silico analysis suggests that this missense variant does not alter protein structure/function; Has not been previously published as pathogenic or benign to our knowledge